The following is an entry in ClinVar:

ClinVar aggregate classification (germline): Benign/Likely benign. Review status: criteria provided, multiple submitters, no conflicts (2 of 4 stars). 7 submissions from 7 submitters: Benign (1); Likely benign (5). 1 of the submissions does not count toward it. Last evaluated 2025-12-25.

Conditions:
HNF1A-related disorder. Also called: HNF1A-related condition.
Maturity-onset diabetes of the young (MODY). Also called: Maturity onset diabetes mellitus in young. Identifiers: Orphanet 552, MedGen C0342276, MONDO:0018911, HP:0004904.
Diabetes mellitus type 1 (T1D). Also called: Type I diabetes mellitus; Diabetes Mellitus, Juvenile-Onset. Identifiers: MedGen C0011854, MONDO:0005147, OMIM 222100, HP:0100651.
Hepatic adenomas, familial. Also called: LIVER CELL ADENOMAS, FAMILIAL; HEPATIC ADENOMA, SOMATIC. Identifiers: MedGen C1840646, MONDO:0007718, OMIM 142330.
Type 2 diabetes mellitus. Also called: Type II diabetes mellitus. Identifiers: MedGen C0011860, MeSH D003924, MONDO:0005148, OMIM 125853, HP:0005978.
Nonpapillary renal cell carcinoma. Identifiers: Orphanet 422526, MedGen CN074294, MONDO:0007763, OMIM 144700.
Type 1 diabetes mellitus 20 (T1D20). Also called: Diabetes mellitus, insulin-dependent, 20. Identifiers: MedGen C2675866, MONDO:0012919, OMIM 612520.
Maturity-onset diabetes of the young type 3. Also called: MODY type 3; MODY, type III. Identifiers: Orphanet 552, MedGen C1838100, MeSH C563933, MONDO:0010894, OMIM 600496. Disease mechanism: loss of function.

Allele frequency attached by ClinVar (database versions not stated): 1000 Genomes Project 30x 0.00016; 1000 Genomes Project 0.00020; gnomAD exomes 0.00025; ExAC 0.00029; ESP Exome Variant Server 0.00077; gnomAD 0.00105 and 0.00117; TOPMed 0.00108.
gnomAD v4.1: 281 of 1,613,678 alleles (0.017%); highest among the groups gnomAD compares: African/African-American, 0.33%; no homozygotes.

Submissions (7):

Labcorp Genetics (formerly Invitae), Labcorp
Classification: Benign. Last evaluated: 2025-12-25. Review status: criteria provided, single submitter. Criteria: Invitae Variant Classification Sherloc (09022015). Collection method: clinical testing. Allele origin: germline.

Blueprint Genetics
Classification: Likely benign. Last evaluated: 2024-11-13. Review status: criteria provided, single submitter. Criteria: ACMG Guidelines, 2015. Collection method: clinical testing. Allele origin: germline.

Fulgent Genetics
Classification: Likely benign for Type 2 diabetes mellitus; Hepatic adenomas, familial; Nonpapillary renal cell carcinoma; Diabetes mellitus type 1; Maturity-onset diabetes of the young type 3; Type 1 diabetes mellitus 20. Last evaluated: 2021-09-16. Review status: criteria provided, single submitter. Criteria: ACMG Guidelines, 2015. Collection method: clinical testing. Allele origin: unknown.

Genetic Services Laboratory, University of Chicago
Classification: Likely benign. Last evaluated: 2017-11-22. Review status: criteria provided, single submitter. Criteria: ACMG Guidelines, 2015. Collection method: clinical testing. Allele origin: germline. Affected: no.

Ambry Genetics
Classification: Likely benign for Maturity-onset diabetes of the young. Last evaluated: 2016-11-08. Review status: criteria provided, single submitter. Criteria: Ambry Variant Classification Scheme 2023. Collection method: clinical testing. Allele origin: germline.

Clinical Genomics, Uppaluri K&H Personalized Medicine Clinic
Classification: Likely benign for Maturity-onset diabetes of the young. Review status: criteria provided, single submitter. Criteria: K & H Uppaluri Personalized Medicine Clinic Variant Classification & Assertion Criteria_Updated V.1. Collection method: research. Allele origin: unknown. Inheritance: Autosomal dominant inheritance.
Comment: Mutations in HNF1A gene can predispose to MODY3. It is associated with both micro and macrovascular complications of diabetes, especially cardiovascular complications. Associated with glucosuria. May respond well to sulfonylureas. However, more evidence is required to confer the association of this particular variant rs147366495 with MODY3.

PreventionGenetics, part of Exact Sciences
Classification: Likely benign for HNF1A-related condition. Last evaluated: 2020-08-10. Review status: no assertion criteria provided. Collection method: clinical testing. Allele origin: germline. Not counted in ClinVar's aggregate classification.
Comment: This variant is classified as likely benign based on ACMG/AMP sequence variant interpretation guidelines (Richards et al. 2015 PMID: 25741868, with internal and published modifications).

Literature cited by the submitters: PubMed 31517624 (cited by Clinical Genomics, Uppaluri K&H Personalized Medicine Clinic); PubMed 35328643 (cited by Clinical Genomics, Uppaluri K&H Personalized Medicine Clinic); PubMed 32395877 (cited by Clinical Genomics, Uppaluri K&H Personalized Medicine Clinic); PubMed 35673428 (cited by Clinical Genomics, Uppaluri K&H Personalized Medicine Clinic).

NM_000545.8(HNF1A):c.1446C>T (p.Ser482=)

Gene: HNF1A (HNF1 homeobox A; plus strand). Cytogenetic location: 12q24.31.
Variant type: single nucleotide variant.
Coding change: c.1446C>T on transcript NM_000545.8 (MANE Select); coding-DNA position 1446, C replaced by T.
Protein change: p.Ser482=; no amino-acid change (serine 482 retained).
Molecular consequence: synonymous variant.
Genome position (GRCh38, 1-based): chr12:120,997,610, C>T. VCF-style: chr12-120997610-C-T. GRCh37 (hg19) VCF-style: chr12-121435413-C-T.
Other names: c.1446C>T, p.Ser482= (NM_001306179.2).
Identifiers: ClinVar variation 695861 (VCV000695861.21), dbSNP rs147366495, ClinGen allele CA6832043.
Genomic context (GRCh38, chr12:120,997,610, plus strand): 5'-CCAGTTCTCCCAGCCGCTGCACCCCTCCTACCAGCAGCCGCTCATGCCACCTGTGCAGAG[C>T]CATGTGACCCAGAGCCCCTTCATGGCCACCATGGCTCAGCTGCAGAGCCCCCACGGTGAG-3'
Protein context (NP_000536.6, residues 472-492): YQQPLMPPVQ[Ser482=]HVTQSPFMAT